The following is an entry in ClinVar:

ClinVar aggregate classification (germline): Likely benign. Review status: criteria provided, multiple submitters, no conflicts (2 of 4 stars). 2 submissions from 2 submitters: Likely benign (2). Last evaluated 2025-02-17.

Allele frequency attached by ClinVar (database versions not stated): ExAC 0.00001; gnomAD 0.00001; gnomAD exomes 0.00001; TOPMed 0.00001.
gnomAD v4.1: 8 of 1,613,510 alleles (0.0005%); highest among the groups gnomAD compares: Admixed American, 0.005%; no homozygotes.

Submissions (2):

Labcorp Genetics (formerly Invitae), Labcorp
Classification: Likely benign. Last evaluated: 2025-02-17. Review status: criteria provided, single submitter. Criteria: Invitae Variant Classification Sherloc (09022015). Collection method: clinical testing. Allele origin: germline.

GeneDx
Classification: Likely benign. Last evaluated: 2015-10-19. Review status: criteria provided, single submitter. Criteria: GeneDx Variant Classification (06012015). Collection method: clinical testing. Allele origin: germline. Affected: yes.
Comment: This variant is considered likely benign or benign based on one or more of the following criteria: it is a conservative change, it occurs at a poorly conserved position in the protein, it is predicted to be benign by multiple in silico algorithms, and/or has population frequency not consistent with disease.

NM_000255.4(MMUT):c.1410A>G (p.Glu470=)

Gene: MMUT (methylmalonyl-CoA mutase; minus strand). Cytogenetic location: 6p12.3.
Variant type: single nucleotide variant.
Coding change: c.1410A>G on transcript NM_000255.4 (MANE Select); coding-DNA position 1410, A replaced by G.
Protein change: p.Glu470=; no amino-acid change (glutamic acid 470 retained).
Molecular consequence: synonymous variant.
Genome position (GRCh38, 1-based): chr6:49,448,850, T>C on the plus strand (A>G on the coding strand, the complement: MMUT is on the minus strand). VCF-style: chr6-49448850-T-C. GRCh37 (hg19) VCF-style: chr6-49416563-T-C.
Identifiers: ClinVar variation 380619 (VCV000380619.9), dbSNP rs755553945, ClinGen allele CA3846889.